The following is an entry in ClinVar:

NM_001302371.3(NBPF10):c.2004T>A (p.Val668=)

Gene: NBPF10 (NBPF member 10; minus strand). Cytogenetic location: 1q21.1.
Variant type: single nucleotide variant.
Coding change: c.2004T>A on transcript NM_001302371.3 (MANE Select); coding-DNA position 2004, T replaced by A.
Protein change: p.Val668=; no amino-acid change (valine 668 retained).
Molecular consequence: synonymous variant.
Genome position (GRCh38, 1-based): chr1:146,126,258, A>T on the plus strand (T>A on the coding strand, the complement: NBPF10 is on the minus strand). VCF-style: chr1-146126258-A-T. GRCh37 (hg19) VCF-style: chr1-145311936-T-A.
Other names: c.2004T>A, p.Val668= (NM_001039703.6).
Identifiers: ClinVar variation 2639092 (VCV002639092.24), dbSNP rs200583985, ClinGen allele CA1052077.
Genomic context (GRCh38, chr1:146,126,258, plus strand): 5'-TCAGTGGATCCTTATCACCTTCATAGAAAGGTACTCACCATCCATGTCAATAGCCAAGCC[A>T]ACACGCTGTTGCTCCAATATGTAAAAGGCACTTCTGTAGGGCTGGCATGAGTCAGTCAGT-3'
Protein context (NP_001289300.1, residues 658-678): SAFYILEQQR[Val668=]GLAIDMDEIE

ClinVar aggregate classification (germline): Likely benign (1 of 4 stars; one submission).

Allele frequency attached by ClinVar (database versions not stated): 1000 Genomes Project 0.00220; 1000 Genomes Project 30x 0.00234; TOPMed 0.00465; ExAC 0.00652; gnomAD 0.00704; gnomAD exomes 0.00964.
gnomAD v4.1: 14,965 of 1,608,200 alleles (0.93%); highest among the groups gnomAD compares: Non-Finnish European, 1%; 236 homozygotes.

Submission:

CeGaT Center for Human Genetics Tuebingen
Classification: Likely benign. Last evaluated: 2023-02-01. Review status: criteria provided, single submitter. Criteria: CeGaT Center For Human Genetics Tuebingen Variant Classification Criteria Version 2. Collection method: clinical testing. Allele origin: germline. Affected: yes. Observed: 2 variant alleles.
Comment: NBPF10: BP4, BP7, BS2